The following is an entry in ClinVar:

NM_000143.4(FH):c.1286C>G (p.Ser429Cys)

Gene: FH (fumarate hydratase; minus strand). Cytogenetic location: 1q43.
Variant type: single nucleotide variant.
Coding change: c.1286C>G on transcript NM_000143.4 (MANE Select); coding-DNA position 1286, C replaced by G.
Protein change: p.Ser429Cys; replaces serine 429 with cysteine.
Molecular consequence: missense variant.
Genome position (GRCh38, 1-based): chr1:241,500,541, G>C on the plus strand (C>G on the coding strand, the complement: FH is on the minus strand). VCF-style: chr1-241500541-G-C. GRCh37 (hg19) VCF-style: chr1-241663841-G-C.
Other names: short protein forms S429C.
Identifiers: ClinVar variation 582146 (VCV000582146.13), dbSNP rs1558396375, ClinGen allele CA345436760.

ClinVar aggregate classification (germline): Uncertain significance. Review status: criteria provided, multiple submitters, no conflicts (2 of 4 stars). 2 submissions from 2 submitters: Uncertain significance (2). Last evaluated 2026-04-23.

Conditions:
Hereditary cancer-predisposing syndrome. Also called: Tumor predisposition; Hereditary Cancer Syndrome; Neoplastic Syndromes, Hereditary; Hereditary neoplastic syndrome. Identifiers: Orphanet 140162, MedGen C0027672, MeSH D009386, MONDO:0015356.

Submissions (2):

Ambry Genetics
Classification: Uncertain significance for Hereditary cancer-predisposing syndrome. Last evaluated: 2026-04-23. Review status: criteria provided, single submitter. Criteria: Ambry Variant Classification Scheme 2023. Collection method: clinical testing. Allele origin: germline.
Comment: The p.S429C variant (also known as c.1286C>G), located in coding exon 9 of the FH gene, results from a C to G substitution at nucleotide position 1286. The serine at codon 429 is replaced by cysteine, an amino acid with dissimilar properties. This amino acid position is highly conserved in available vertebrate species. In addition, this alteration is predicted to be deleterious by in silico analysis. Based on the available evidence, the clinical significance of this variant remains unclear.

Labcorp Genetics (formerly Invitae), Labcorp
Classification: Uncertain significance. Last evaluated: 2024-04-11. Review status: criteria provided, single submitter. Criteria: Invitae Variant Classification Sherloc (09022015). Collection method: clinical testing. Allele origin: germline.
Comment: This sequence change replaces serine, which is neutral and polar, with cysteine, which is neutral and slightly polar, at codon 429 of the FH protein (p.Ser429Cys). This variant is not present in population databases (gnomAD no frequency). This variant has not been reported in the literature in individuals affected with FH-related conditions. ClinVar contains an entry for this variant (Variation ID: 582146). Advanced modeling of protein sequence and biophysical properties (such as structural, functional, and spatial information, amino acid conservation, physicochemical variation, residue mobility, and thermodynamic stability) has been performed at Invitae for this missense variant, however the output from this modeling did not meet the statistical confidence thresholds required to predict the impact of this variant on FH protein function. In summary, the available evidence is currently insufficient to determine the role of this variant in disease. Therefore, it has been classified as a Variant of Uncertain Significance.